The following is an entry in ClinVar:

ClinVar aggregate classification (germline): Uncertain significance (1 of 4 stars; one submission).

Allele frequency attached by ClinVar (database versions not stated): gnomAD exomes below 0.00001.
gnomAD v4.1: 1 of 1,520,992 alleles (0.000066%); highest among the groups gnomAD compares: Admixed American, 0.0021%; no homozygotes.

Submission:

GeneDx
Classification: Uncertain significance. Last evaluated: 2019-11-27. Review status: criteria provided, single submitter. Criteria: GeneDx Variant Classification Process June 2021. Collection method: clinical testing. Allele origin: germline. Affected: yes.
Comment: Not observed in large population cohorts (Lek et al., 2016); In silico analysis, which includes protein predictors and evolutionary conservation, supports that this variant does not alter protein structure/function; Has not been previously published as pathogenic or benign to our knowledge

NM_001104631.2(PDE4D):c.32G>A (p.Arg11Gln)

Gene: PDE4D (phosphodiesterase 4D; minus strand). Cytogenetic location: 5q12.1.
Variant type: single nucleotide variant.
Coding change: c.32G>A on transcript NM_001104631.2 (MANE Select); coding-DNA position 32, G replaced by A.
Protein change: p.Arg11Gln; replaces arginine 11 with glutamine.
Molecular consequence: missense variant. On other transcripts: intron variant (5).
Genome position (GRCh38, 1-based): chr5:59,893,591, C>T on the plus strand (G>A on the coding strand, the complement: PDE4D is on the minus strand). VCF-style: chr5-59893591-C-T. GRCh37 (hg19) VCF-style: chr5-59189418-C-T.
Other names: c.272+94897G>A (NM_001364599.1, NM_001165899.2, NM_001364600.2); c.-240+94897G>A (NM_001349243.2); c.242+94897G>A (NM_001349241.2); short protein forms R11Q.
Identifiers: ClinVar variation 1310744 (VCV001310744.2), dbSNP rs1312350146, ClinGen allele CA359933240.